The following is an entry in ClinVar:

NM_002226.5(JAG2):c.2350C>T (p.Arg784Cys)

Gene: JAG2 (jagged canonical Notch ligand 2; minus strand). Cytogenetic location: 14q32.33.
Variant type: single nucleotide variant.
Coding change: c.2350C>T on transcript NM_002226.5 (MANE Select); coding-DNA position 2350, C replaced by T.
Protein change: p.Arg784Cys; replaces arginine 784 with cysteine.
Molecular consequence: missense variant.
Genome position (GRCh38, 1-based): chr14:105,147,787, G>A on the plus strand (C>T on the coding strand, the complement: JAG2 is on the minus strand). VCF-style: chr14-105147787-G-A. GRCh37 (hg19) VCF-style: chr14-105614124-G-A.
Other names: c.2236C>T, p.Arg746Cys (NM_145159.3); short protein forms R746C, R784C.
Identifiers: ClinVar variation 3235096 (VCV003235096.2), dbSNP rs759715810, ClinGen allele CA391267419.

ClinVar aggregate classification (germline): Uncertain significance (1 of 4 stars; one submission).

Conditions:
Muscular dystrophy, limb-girdle, autosomal recessive 27. Identifiers: MedGen C5562002, MONDO:0030456, OMIM 619566.

Allele frequency attached by ClinVar (database versions not stated): gnomAD exomes 0.00001.
gnomAD v4.1: 4 of 1,547,334 alleles (0.00026%); highest among the groups gnomAD compares: Middle Eastern, 0.021%; no homozygotes.

Submission:

Harry Perkins Institute Of Medical Research, University Of Western Australia
Classification: Uncertain significance for Muscular dystrophy, limb-girdle, autosomal recessive 27. Last evaluated: 2024-05-06. Review status: criteria provided, single submitter. Criteria: ACMG Guidelines, 2015. Collection method: research. Allele origin: inherited. Affected: yes. Observed: 1 variant allele.